The following is an entry in ClinVar:

NM_000487.6(ARSA):c.449C>T (p.Pro150Leu)

Gene: ARSA (arylsulfatase A; minus strand). Cytogenetic location: 22q13.33.
Variant type: single nucleotide variant.
Coding change: c.449C>T on transcript NM_000487.6 (MANE Select); coding-DNA position 449, C replaced by T.
Protein change: p.Pro150Leu; replaces proline 150 with leucine.
Molecular consequence: missense variant.
Genome position (GRCh38, 1-based): chr22:50,627,182, G>A on the plus strand (C>T on the coding strand, the complement: ARSA is on the minus strand). VCF-style: chr22-50627182-G-A. GRCh37 (hg19) VCF-style: chr22-51065610-G-A.
Other names: c.449C>T, p.Pro150Leu (NM_001085425.3, NM_001085426.3, NM_001085427.3); c.191C>T, p.Pro64Leu (NM_001085428.3, NM_001362782.2); short protein forms P150L, P64L.
Identifiers: ClinVar variation 68134 (VCV000068134.62), dbSNP rs199476375, ClinGen allele CA219024.

ClinVar aggregate classification (germline): Pathogenic/Likely pathogenic. Review status: criteria provided, multiple submitters, no conflicts (2 of 4 stars). 11 submissions from 11 submitters: Pathogenic (7); Likely pathogenic (3). 1 of the submissions does not count toward it. Last evaluated 2026-01-19.

Conditions:
Metachromatic leukodystrophy (MLD). Also called: Cerebral sclerosis diffuse metachromatic form; Arylsulfatase A Deficiency; CEREBROSIDE SULFATASE DEFICIENCY; METACHROMATIC LEUKOENCEPHALOPATHY; SULFATIDE LIPIDOSIS; ARSA DEFICIENCY. Identifiers: Orphanet 512, MedGen C0023522, MONDO:0018868, OMIM 250100.

Allele frequency attached by ClinVar (database versions not stated): 1000 Genomes Project 30x 0.00031; gnomAD 0.00001; gnomAD exomes below 0.00001; TOPMed below 0.00001; ExAC 0.00001; 1000 Genomes Project 0.00020.

Submissions (12):

Labcorp Genetics (formerly Invitae), Labcorp
Classification: Pathogenic for Metachromatic leukodystrophy. Last evaluated: 2026-01-19. Review status: criteria provided, single submitter. Criteria: Invitae Variant Classification Sherloc (09022015). Collection method: clinical testing. Allele origin: germline.
Comment: This sequence change replaces proline, which is neutral and non-polar, with leucine, which is neutral and non-polar, at codon 150 of the ARSA protein (p.Pro150Leu). This variant is present in population databases (rs199476375, gnomAD 0.003%). This missense change has been observed in individual(s) with metachromatic leukodystrophy (PMID: 10381328, 16678723, 18786133). In at least one individual the data is consistent with being in trans (on the opposite chromosome) from a pathogenic variant. This variant is also known as p.Pro148Leu. ClinVar contains an entry for this variant (Variation ID: 68134). Invitae Evidence Modeling of protein sequence and biophysical properties (such as structural, functional, and spatial information, amino acid conservation, physicochemical variation, residue mobility, and thermodynamic stability) indicates that this missense variant is expected to disrupt ARSA protein function with a positive predictive value of 95%. For these reasons, this variant has been classified as Pathogenic.

First Genomix Gene Laboratory, Genetic Diagnostics Department
Classification: Pathogenic for Metachromatic leukodystrophy. Last evaluated: 2025-04-14. Review status: criteria provided, single submitter. Criteria: ACMG Guidelines, 2015. Collection method: clinical testing. Allele origin: germline. Inheritance: Autosomal recessive inheritance. Affected: no. Observed: 1 variant allele.

Natera, Inc.
Classification: Pathogenic for Metachromatic leukodystrophy. Last evaluated: 2025-03-21. Review status: criteria provided, single submitter. Criteria: Natera Variant Classification Schema (03/2026). Collection method: clinical testing. Allele origin: germline.
Comment: The c.449C>T variant in ARSA is a missense variant predicted to cause substitution of proline to leucine at amino acid 150. This variant is rare in the general population with a frequency below the threshold expected for the associated phenotype(s). This variant has been observed in one or more individuals affected with the associated recessive disease, as either homozygous or compound heterozygous with a second variant (PMID: 39806039, 26000324, 22993277, 33185815). Additionally, this variant has been observed to segregate in affected family members (PMID: 2299327). Functional studies show that this variant may disrupt protein function (PMID: 26000324). Computational prediction algorithms indicate this variant is likely to affect gene or protein function. Given the available evidence, this variant is classified as Pathogenic.

Fulgent Genetics
Classification: Likely pathogenic for Metachromatic leukodystrophy. Last evaluated: 2024-02-14. Review status: criteria provided, single submitter. Criteria: ACMG Guidelines, 2015. Collection method: clinical testing. Allele origin: germline.

3billion
Classification: Pathogenic for Metachromatic leukodystrophy. Last evaluated: 2023-10-25. Review status: criteria provided, single submitter. Criteria: ACMG Guidelines, 2015. Collection method: clinical testing. Allele origin: germline. Affected: yes.
Comment: The variant is observed at an extremely low frequency in the gnomAD v2.1.1 dataset (total allele frequency: <0.001%). Predicted Consequence/Location: Missense variant In silico tool predictions suggest damaging effect of the variant on gene or gene product [REVEL: 0.94 (>=0.6, sensitivity 0.68 and specificity 0.92); 3Cnet: 0.83 (>=0.6, sensitivity 0.72 and precision 0.9)]. Same nucleotide change resulting in same amino acid change has been previously reported as pathogenic/likely pathogenic with strong evidence (ClinVar ID: VCV000068134 /PMID: 10381328). A different missense change at the same codon (p.Pro150Arg) has been reported as pathogenic/likely pathogenic with strong evidence (ClinVar ID: VCV000576385 /PMID: 26462614). Therefore, this variant is classified as Pathogenic according to the recommendation of ACMG/AMP guideline.

GeneDx
Classification: Likely pathogenic. Last evaluated: 2022-02-07. Review status: criteria provided, single submitter. Criteria: GeneDx Variant Classification Process June 2021. Collection method: clinical testing. Allele origin: germline. Affected: yes.
Comment: Published functional studies demonstrate a damaging effect on enzyme function (Biffi et al., 2008); Not observed at significant frequency in large population cohorts (gnomAD); In silico analysis supports that this missense variant has a deleterious effect on protein structure/function; This variant is associated with the following publications: (PMID: 10381328, Han_2014_thesis, 16678723, 18786133, 30828547, 31186049, 33185815)

Institute of Human Genetics, University of Leipzig Medical Center
Classification: Pathogenic for Metachromatic leukodystrophy. Last evaluated: 2021-09-20. Review status: criteria provided, single submitter. Criteria: ACMG Guidelines, 2015. Collection method: clinical testing. Allele origin: unknown. Affected: yes.
Comment: This variant was identified as compound heterozygous with NM_000487.6:c.1156C>T.

Dubai Health Genomic Medicine Center, Dubai Health
Classification: Pathogenic for Metachromatic leukodystrophy. Last evaluated: 2021-03-11. Review status: criteria provided, single submitter. Criteria: ACMG Guidelines, 2015. Collection method: clinical testing. Allele origin: germline. Affected: yes.
Comment: The p.Pro150Leu missense variant in ARSA has been previously reported in the homozygous state in two siblings with metachromatic leukodystrophy (MLD) (PMID: 31186049). In addition it was also reported in the compound heterozygous state with other missense variants in two patients with MLD (PMID: 10381328 18786133). This variant has also been identified in 1/34328 Latino alleles in the Genome Aggregation Database (gnomAD). Functional analysis using patients cells with this variant showed significantly reduced enzymatic activity compared to normal fibroblasts (PMID: 10381328 18786133). A different amino acid change at the same position (p.Pro150Arg) has also been reported in patients with MLD (PMID: 26462614). Computational prediction tools and conservation analyses suggest this variant may impact the protein. In summary this variant meets our criteria to be classified as pathogenic.

Genomic Research Center, Shahid Beheshti University of Medical Sciences
Classification: Likely pathogenic for Metachromatic leukodystrophy. Last evaluated: 2020-05-03. Review status: criteria provided, single submitter. Criteria: ACMG Guidelines, 2015. Collection method: clinical testing. Allele origin: unknown. Affected: yes.

CeGaT Center for Human Genetics Tuebingen
Classification: Pathogenic. Last evaluated: 2017-11-01. Review status: criteria provided, single submitter. Criteria: CeGaT Center For Human Genetics Tuebingen Variant Classification Criteria Version 2. Collection method: clinical testing. Allele origin: germline. Affected: yes. Observed: 1 variant allele.

Gelb Laboratory, University of Washington
No classification provided (evidence only). Condition: Metachromatic leukodystrophy. Review status: no classification provided. Collection method: in vitro. Allele origin: not applicable. Functional consequence: loss of function. Not counted in ClinVar's aggregate classification.

UniProtKB/Swiss-Prot
No classification provided. Review status: no classification provided. Collection method: not provided. Allele origin: not provided. Not counted in ClinVar's aggregate classification.

Literature cited by the submitters: PubMed 10381328 (cited by Labcorp Genetics (formerly Invitae), Labcorp and 3billion); PubMed 16678723 (cited by Labcorp Genetics (formerly Invitae), Labcorp); PubMed 18786133 (cited by Labcorp Genetics (formerly Invitae), Labcorp); PubMed 39806039 (cited by Natera, Inc.); PubMed 26000324 (cited by Natera, Inc.); PubMed 22993277 (cited by Natera, Inc.); PubMed 33185815 (cited by Natera, Inc.); PubMed 2299327 (cited by Natera, Inc.); PubMed 26462614 (cited by 3billion).